The following is an entry in ClinVar:

NM_000384.3(APOB):c.4955T>C (p.Ile1652Thr)

Gene: APOB (apolipoprotein B; minus strand). Cytogenetic location: 2p24.1.
Variant type: single nucleotide variant.
Coding change: c.4955T>C on transcript NM_000384.3 (MANE Select); coding-DNA position 4955, T replaced by C.
Protein change: p.Ile1652Thr; replaces isoleucine 1652 with threonine.
Molecular consequence: missense variant.
Genome position (GRCh38, 1-based): chr2:21,011,913, A>G on the plus strand (T>C on the coding strand, the complement: APOB is on the minus strand). VCF-style: chr2-21011913-A-G. GRCh37 (hg19) VCF-style: chr2-21234785-A-G.
Other names: short protein forms I1652T.
Identifiers: ClinVar variation 3414768 (VCV003414768.1).

ClinVar aggregate classification (germline): Uncertain significance (1 of 4 stars; one submission).

Conditions:
Cardiovascular phenotype. Identifiers: MedGen CN230736.

gnomAD v4.1: 20 of 1,614,022 alleles (0.0012%); highest among the groups gnomAD compares: Non-Finnish European, 0.0014%; no homozygotes.

Submission:

Ambry Genetics
Classification: Uncertain significance for Cardiovascular phenotype. Last evaluated: 2024-09-17. Review status: criteria provided, single submitter. Criteria: Ambry Variant Classification Scheme 2023. Collection method: clinical testing. Allele origin: germline.
Comment: The p.I1652T variant (also known as c.4955T>C), located in coding exon 26 of the APOB gene, results from a T to C substitution at nucleotide position 4955. The isoleucine at codon 1652 is replaced by threonine, an amino acid with similar properties. This amino acid position is conserved. In addition, this alteration is predicted to be tolerated by in silico analysis. Based on the available evidence, the clinical significance of this variant remains unclear.